The following is an entry in ClinVar:

ClinVar aggregate classification (germline): Uncertain significance (1 of 4 stars; one submission).

Submission:

GeneDx
Classification: Uncertain significance. Last evaluated: 2023-11-02. Review status: criteria provided, single submitter. Criteria: GeneDx Variant Classification Process June 2021. Collection method: clinical testing. Allele origin: germline. Affected: yes.
Comment: Not observed at significant frequency in large population cohorts (gnomAD); In silico analysis supports that this missense variant does not alter protein structure/function; Has not been previously published as pathogenic or benign to our knowledge

NM_006005.3(WFS1):c.2257G>A (p.Glu753Lys)

Gene: WFS1 (wolframin ER transmembrane glycoprotein; plus strand). Cytogenetic location: 4p16.1.
Variant type: single nucleotide variant.
Coding change: c.2257G>A on transcript NM_006005.3 (MANE Select); coding-DNA position 2257, G replaced by A.
Protein change: p.Glu753Lys; replaces glutamic acid 753 with lysine.
Molecular consequence: missense variant.
Genome position (GRCh38, 1-based): chr4:6,302,052, G>A. VCF-style: chr4-6302052-G-A. GRCh37 (hg19) VCF-style: chr4-6303779-G-A.
Other names: c.2257G>A, p.Glu753Lys (NM_001145853.1); short protein forms E753K.
Identifiers: ClinVar variation 3363735 (VCV003363735.1).